The following is an entry in ClinVar:

ClinVar aggregate classification (germline): Uncertain significance (1 of 4 stars; one submission).

Allele frequency attached by ClinVar (database versions not stated): gnomAD 0.00001.

Submission:

Labcorp Genetics (formerly Invitae), Labcorp
Classification: Uncertain significance. Last evaluated: 2024-01-29. Review status: criteria provided, single submitter. Criteria: Invitae Variant Classification Sherloc (09022015). Collection method: clinical testing. Allele origin: germline.
Comment: This sequence change replaces tyrosine, which is neutral and polar, with cysteine, which is neutral and slightly polar, at codon 162 of the SLC10A2 protein (p.Tyr162Cys). This variant is not present in population databases (gnomAD no frequency). This variant has not been reported in the literature in individuals affected with SLC10A2-related conditions. Advanced modeling of protein sequence and biophysical properties (such as structural, functional, and spatial information, amino acid conservation, physicochemical variation, residue mobility, and thermodynamic stability) performed at Invitae indicates that this missense variant is expected to disrupt SLC10A2 protein function with a positive predictive value of 80%. Experimental studies have shown that this missense change affects SLC10A2 function (PMID: 18311924). In summary, the available evidence is currently insufficient to determine the role of this variant in disease. Therefore, it has been classified as a Variant of Uncertain Significance.

Literature cited by the submitters: PubMed 18311924.

NM_000452.3(SLC10A2):c.485A>G (p.Tyr162Cys)

Gene: SLC10A2 (solute carrier family 10 member 2; minus strand). Cytogenetic location: 13q33.1.
Variant type: single nucleotide variant.
Coding change: c.485A>G on transcript NM_000452.3 (MANE Select); coding-DNA position 485, A replaced by G.
Protein change: p.Tyr162Cys; replaces tyrosine 162 with cysteine.
Molecular consequence: missense variant.
Genome position (GRCh38, 1-based): chr13:103,058,275, T>C on the plus strand (A>G on the coding strand, the complement: SLC10A2 is on the minus strand). VCF-style: chr13-103058275-T-C. GRCh37 (hg19) VCF-style: chr13-103710625-T-C.
Other names: short protein forms Y162C.
Identifiers: ClinVar variation 2870287 (VCV002870287.3), dbSNP rs1337104312, ClinGen allele CA388607960.